The following is an entry in ClinVar:

ClinVar aggregate classification (germline): Uncertain significance (1 of 4 stars; one submission).

Conditions:
Familial thoracic aortic aneurysm and aortic dissection (TAAD). Also called: Thoracic aortic aneurysms and dissections. Identifiers: Orphanet 91387, MedGen C4707243, MONDO:0019625.

Submission:

Color Diagnostics, LLC DBA Color Health
Classification: Uncertain significance for Familial thoracic aortic aneurysm and aortic dissection. Last evaluated: 2025-10-12. Review status: criteria provided, single submitter. Criteria: ACMG Guidelines, 2015. Collection method: clinical testing. Allele origin: germline.
Comment: This missense variant replaces asparagine with serine at codon 2174 of the FBN1 protein. Computational prediction suggests that this variant may not impact protein structure and function. To our knowledge, functional studies have not been reported for this variant. This variant has not been reported in individuals affected with FBN1-related disorders in the literature. This variant has not been identified in the general population by the Genome Aggregation Database (gnomAD). The available evidence is insufficient to determine the role of this variant in disease conclusively. Therefore, this variant is classified as a Variant of Uncertain Significance.

NM_000138.5(FBN1):c.6521A>G (p.Asn2174Ser)

Gene: FBN1 (fibrillin 1; minus strand). Cytogenetic location: 15q21.1.
Variant type: single nucleotide variant.
Coding change: c.6521A>G on transcript NM_000138.5 (MANE Select); coding-DNA position 6521, A replaced by G.
Protein change: p.Asn2174Ser; replaces asparagine 2174 with serine.
Molecular consequence: missense variant.
Genome position (GRCh38, 1-based): chr15:48,434,689, T>C on the plus strand (A>G on the coding strand, the complement: FBN1 is on the minus strand). VCF-style: chr15-48434689-T-C. GRCh37 (hg19) VCF-style: chr15-48726886-T-C.
Other names: c.6521A>G, p.Asn2174Ser (NM_001406716.1); short protein forms N2174S.
Identifiers: ClinVar variation 4758126 (VCV004758126.1).